The following is an entry in ClinVar:

NM_013432.5(TONSL):c.3590C>G (p.Ser1197Cys)

Gene: TONSL (tonsoku like, DNA repair protein; minus strand). Cytogenetic location: 8q24.3.
Variant type: single nucleotide variant.
Coding change: c.3590C>G on transcript NM_013432.5 (MANE Select); coding-DNA position 3590, C replaced by G.
Protein change: p.Ser1197Cys; replaces serine 1197 with cysteine.
Molecular consequence: missense variant.
Genome position (GRCh38, 1-based): chr8:144,432,430, G>C on the plus strand (C>G on the coding strand, the complement: TONSL is on the minus strand). VCF-style: chr8-144432430-G-C. GRCh37 (hg19) VCF-style: chr8-145657813-G-C.
Other names: short protein forms S1197C.
Identifiers: ClinVar variation 1966927 (VCV001966927.5), dbSNP rs782452422, ClinGen allele CA4942444.

ClinVar aggregate classification (germline): Uncertain significance (1 of 4 stars; one submission).

Allele frequency attached by ClinVar (database versions not stated): ExAC 0.00001.

Submission:

Labcorp Genetics (formerly Invitae), Labcorp
Classification: Uncertain significance. Last evaluated: 2025-06-18. Review status: criteria provided, single submitter. Criteria: Invitae Variant Classification Sherloc (09022015). Collection method: clinical testing. Allele origin: germline.
Comment: This sequence change replaces serine, which is neutral and polar, with cysteine, which is neutral and slightly polar, at codon 1197 of the TONSL protein (p.Ser1197Cys). This variant is present in population databases (rs782452422, gnomAD 0.008%). This variant has not been reported in the literature in individuals affected with TONSL-related conditions. ClinVar contains an entry for this variant (Variation ID: 1966927). Invitae Evidence Modeling of protein sequence and biophysical properties (such as structural, functional, and spatial information, amino acid conservation, physicochemical variation, residue mobility, and thermodynamic stability) indicates that this missense variant is expected to disrupt TONSL protein function with a positive predictive value of 80%. In summary, the available evidence is currently insufficient to determine the role of this variant in disease. Therefore, it has been classified as a Variant of Uncertain Significance.